The following is an entry in ClinVar:

ClinVar aggregate classification (germline): Uncertain significance (1 of 4 stars; one submission).

Submission:

Ambry Genetics
Classification: Uncertain significance. Last evaluated: 2025-08-03. Review status: criteria provided, single submitter. Criteria: Ambry Variant Classification Scheme 2023. Collection method: clinical testing. Allele origin: germline.
Comment: The p.L583I variant (also known as c.1747C>A), located in coding exon 13 of the GEN1 gene, results from a C to A substitution at nucleotide position 1747. The leucine at codon 583 is replaced by isoleucine, an amino acid with highly similar properties. This amino acid position is conserved. In addition, this alteration is predicted to be tolerated by in silico analysis. Based on the available evidence, the clinical significance of this variant remains unclear.

NM_001130009.3(GEN1):c.1747C>A (p.Leu583Ile)

Gene: GEN1 (GEN1 Holliday junction 5' flap endonuclease; plus strand). Cytogenetic location: 2p24.2.
Variant type: single nucleotide variant.
Coding change: c.1747C>A on transcript NM_001130009.3 (MANE Select); coding-DNA position 1747, C replaced by A.
Protein change: p.Leu583Ile; replaces leucine 583 with isoleucine.
Molecular consequence: missense variant.
Genome position (GRCh38, 1-based): chr2:17,780,959, C>A. VCF-style: chr2-17780959-C-A. GRCh37 (hg19) VCF-style: chr2-17962226-C-A.
Other names: c.1747C>A, p.Leu583Ile (NM_182625.5); short protein forms L583I.
Identifiers: ClinVar variation 4263060 (VCV004263060.1).